The following is an entry in ClinVar:

NM_001844.5(COL2A1):c.3577T>C (p.Ser1193Pro)

Gene: COL2A1 (collagen type II alpha 1 chain; minus strand). Cytogenetic location: 12q13.11.
Variant type: single nucleotide variant.
Coding change: c.3577T>C on transcript NM_001844.5 (MANE Select); coding-DNA position 3577, T replaced by C.
Protein change: p.Ser1193Pro; replaces serine 1193 with proline.
Molecular consequence: missense variant.
Genome position (GRCh38, 1-based): chr12:47,975,983, A>G on the plus strand (T>C on the coding strand, the complement: COL2A1 is on the minus strand). VCF-style: chr12-47975983-A-G. GRCh37 (hg19) VCF-style: chr12-48369766-A-G.
Other names: c.3370T>C, p.Ser1124Pro (NM_033150.3); short protein forms S1193P, S1124P.
Identifiers: ClinVar variation 5008268 (VCV005008268.1).

ClinVar aggregate classification (germline): Uncertain significance (1 of 4 stars; one submission).

Submission:

GeneDx
Classification: Uncertain significance. Last evaluated: 2026-02-12. Review status: criteria provided, single submitter. Criteria: GeneDx Variant Classification Process June 2021. Collection method: clinical testing. Allele origin: germline.
Comment: Not observed at significant frequency in large population cohorts (gnomAD); In silico analysis suggests that this missense variant does not alter protein structure/function; Has not been previously published as pathogenic or benign to our knowledge; Not located in the triple helical region, where the majority of pathogenic missense variants occur (HGMD)